The following is an entry in ClinVar:

NM_152594.3(SPRED1):c.707A>G (p.His236Arg)

Gene: SPRED1 (sprouty related EVH1 domain containing 1; plus strand). Cytogenetic location: 15q14.
Variant type: single nucleotide variant.
Coding change: c.707A>G on transcript NM_152594.3 (MANE Select); coding-DNA position 707, A replaced by G.
Protein change: p.His236Arg; replaces histidine 236 with arginine.
Molecular consequence: missense variant.
Genome position (GRCh38, 1-based): chr15:38,351,036, A>G. VCF-style: chr15-38351036-A-G. GRCh37 (hg19) VCF-style: chr15-38643237-A-G.
Other names: short protein forms H236R.
Identifiers: ClinVar variation 315735 (VCV000315735.9), dbSNP rs886051104, ClinGen allele CA10635891.

ClinVar aggregate classification (germline): Conflicting classifications of pathogenicity. Review status: criteria provided, conflicting classifications (1 of 4 stars). 3 submissions from 3 submitters: Uncertain significance (2); Likely benign (1). Last evaluated 2025-01-19.

Conditions:
Legius syndrome. Identifiers: Orphanet 137605, MedGen C1969623, MONDO:0012669, OMIM 611431. Disease mechanism: loss of function.
Cardiovascular phenotype. Identifiers: MedGen CN230736.

Allele frequency attached by ClinVar (database versions not stated): TOPMed below 0.00001; gnomAD exomes 0.00001.
gnomAD v4.1: 4 of 1,613,642 alleles (0.00025%); highest among the groups gnomAD compares: Admixed American, 0.005%; no homozygotes.

Submissions (3):

Ambry Genetics
Classification: Likely benign for Cardiovascular phenotype. Last evaluated: 2025-01-19. Review status: criteria provided, single submitter. Criteria: Ambry Variant Classification Scheme 2023. Collection method: clinical testing. Allele origin: germline.

Labcorp Genetics (formerly Invitae), Labcorp
Classification: Uncertain significance for Legius syndrome. Last evaluated: 2024-06-03. Review status: criteria provided, single submitter. Criteria: Invitae Variant Classification Sherloc (09022015). Collection method: clinical testing. Allele origin: germline.
Comment: This sequence change replaces histidine, which is basic and polar, with arginine, which is basic and polar, at codon 236 of the SPRED1 protein (p.His236Arg). This variant is present in population databases (no rsID available, gnomAD 0.009%). This variant has not been reported in the literature in individuals affected with SPRED1-related conditions. ClinVar contains an entry for this variant (Variation ID: 315735). Advanced modeling of protein sequence and biophysical properties (such as structural, functional, and spatial information, amino acid conservation, physicochemical variation, residue mobility, and thermodynamic stability) performed at Invitae indicates that this missense variant is not expected to disrupt SPRED1 protein function with a negative predictive value of 80%. In summary, the available evidence is currently insufficient to determine the role of this variant in disease. Therefore, it has been classified as a Variant of Uncertain Significance.

Illumina Laboratory Services, Illumina
Classification: Uncertain significance for Legius syndrome. Last evaluated: 2018-01-12. Review status: criteria provided, single submitter. Criteria: ICSL Variant Classification Criteria 13 December 2019. Collection method: clinical testing. Allele origin: germline.